The following is an entry in ClinVar:

NM_004168.4(SDHA):c.310C>G (p.Gln104Glu)

Gene: SDHA (succinate dehydrogenase complex flavoprotein subunit A; plus strand). Cytogenetic location: 5p15.33.
Variant type: single nucleotide variant.
Coding change: c.310C>G on transcript NM_004168.4 (MANE Select); coding-DNA position 310, C replaced by G.
Protein change: p.Gln104Glu; replaces glutamine 104 with glutamic acid.
Molecular consequence: missense variant.
Genome position (GRCh38, 1-based): chr5:224,519, C>G. VCF-style: chr5-224519-C-G. GRCh37 (hg19) VCF-style: chr5-224634-C-G.
Other names: c.310C>G, p.Gln104Glu (NM_001294332.2, NM_001330758.2); short protein forms Q104E.
Identifiers: ClinVar variation 3223743 (VCV003223743.3), dbSNP rs1423978863, ClinGen allele CA359008693.

ClinVar aggregate classification (germline): Uncertain significance. Review status: criteria provided, multiple submitters, no conflicts (2 of 4 stars). 2 submissions from 2 submitters: Uncertain significance (2). Last evaluated 2024-03-28.

Conditions:
Mitochondrial complex II deficiency, nuclear type 1. Also called: SUCCINATE CoQ REDUCTASE DEFICIENCY. Identifiers: Orphanet 3208, MedGen C5700310, MONDO:0100294, OMIM 252011.
Pheochromocytoma/paraganglioma syndrome 5. Also called: Paragangliomas 5; SDHA-Related Hereditary Paraganglioma-Pheochromocytoma Syndrome. Identifiers: Orphanet 29072, MedGen C3279992, MONDO:0013602, OMIM 614165.
Hereditary cancer-predisposing syndrome. Also called: Tumor predisposition; Hereditary Cancer Syndrome; Neoplastic Syndromes, Hereditary; Hereditary neoplastic syndrome. Identifiers: Orphanet 140162, MedGen C0027672, MeSH D009386, MONDO:0015356.

Submissions (2):

Labcorp Genetics (formerly Invitae), Labcorp
Classification: Uncertain significance for Pheochromocytoma/paraganglioma syndrome 5; Mitochondrial complex II deficiency, nuclear type 1. Last evaluated: 2024-03-28. Review status: criteria provided, single submitter. Criteria: Invitae Variant Classification Sherloc (09022015). Collection method: clinical testing. Allele origin: germline.
Comment: This sequence change replaces glutamine, which is neutral and polar, with glutamic acid, which is acidic and polar, at codon 104 of the SDHA protein (p.Gln104Glu). This variant is not present in population databases (gnomAD no frequency). This variant has not been reported in the literature in individuals affected with SDHA-related conditions. An algorithm developed to predict the effect of missense changes on protein structure and function (PolyPhen-2) suggests that this variant is likely to be disruptive. In summary, the available evidence is currently insufficient to determine the role of this variant in disease. Therefore, it has been classified as a Variant of Uncertain Significance.

Ambry Genetics
Classification: Uncertain significance for Hereditary cancer-predisposing syndrome. Last evaluated: 2023-11-09. Review status: criteria provided, single submitter. Criteria: Ambry Variant Classification Scheme 2023. Collection method: clinical testing. Allele origin: germline.
Comment: The p.Q104E variant (also known as c.310C>G), located in coding exon 3 of the SDHA gene, results from a C to G substitution at nucleotide position 310. The glutamine at codon 104 is replaced by glutamic acid, an amino acid with highly similar properties. This amino acid position is conserved. In addition, the in silico prediction for this alteration is inconclusive. Since supporting evidence is limited at this time, the clinical significance of this alteration remains unclear.